The following is an entry in ClinVar:

NM_005144.5(HR):c.3249C>A (p.Gly1083=)

Gene: HR (HR lysine demethylase and nuclear receptor corepressor; minus strand). Cytogenetic location: 8p21.3.
Variant type: single nucleotide variant.
Coding change: c.3249C>A on transcript NM_005144.5 (MANE Select); coding-DNA position 3249, C replaced by A.
Protein change: p.Gly1083=; no amino-acid change (glycine 1083 retained).
Molecular consequence: synonymous variant. On other transcripts: intron variant (1).
Genome position (GRCh38, 1-based): chr8:22,117,004, G>T on the plus strand (C>A on the coding strand, the complement: HR is on the minus strand). VCF-style: chr8-22117004-G-T. GRCh37 (hg19) VCF-style: chr8-21974517-G-T.
Other names: c.3214-576C>A (NM_018411.4).
Identifiers: ClinVar variation 911928 (VCV000911928.9), dbSNP rs552153164, ClinGen allele CA4661823.

ClinVar aggregate classification (germline): Likely benign. Review status: criteria provided, multiple submitters, no conflicts (2 of 4 stars). 4 submissions from 3 submitters: Likely benign (4). Last evaluated 2022-03-14.

Conditions:
Atrichia with papular lesions (APL). Also called: PAPULAR ATRICHIA. Identifiers: Orphanet 86819, MedGen C1859592, MONDO:0008847, OMIM 209500.
Alopecia universalis congenita (ALUNC). Also called: ATRICHIA, GENERALIZED. Identifiers: Orphanet 701, MedGen C1859877, MONDO:0008757, OMIM 203655.

Allele frequency attached by ClinVar (database versions not stated): TOPMed 0.00051; ExAC 0.00160.
gnomAD v4.1: 1,113 of 1,525,078 alleles (0.073%); highest among the groups gnomAD compares: Non-Finnish European, 0.093%; 1 homozygote.

Submissions (4):

Labcorp Genetics (formerly Invitae), Labcorp
Classification: Likely benign. Last evaluated: 2022-03-14. Review status: criteria provided, single submitter. Criteria: Invitae Variant Classification Sherloc (09022015). Collection method: clinical testing. Allele origin: germline.

Illumina Laboratory Services, Illumina
Classification: Likely benign for Alopecia universalis congenita. Last evaluated: 2018-01-12. Review status: criteria provided, single submitter. Criteria: ICSL Variant Classification Criteria 13 December 2019. Collection method: clinical testing. Allele origin: germline.
Comment: This variant was observed in the ICSL laboratory as part of a predisposition screen in an ostensibly healthy population. It had not been previously curated by ICSL or reported in the Human Gene Mutation Database (HGMD: prior to June 1st, 2018), and was therefore a candidate for classification through an automated scoring system. Utilizing variant allele frequency, disease prevalence and penetrance estimates, and inheritance mode, an automated score was calculated to assess if this variant is too frequent to cause the disease. Based on the score and internal cut-off values, a variant classified as likely benign is not then subjected to further curation. The score for this variant resulted in a classification of likely benign for this disease.

Illumina Laboratory Services, Illumina
Classification: Likely benign for Atrichia with papular lesions. Last evaluated: 2018-01-12. Review status: criteria provided, single submitter. Criteria: ICSL Variant Classification Criteria 13 December 2019. Collection method: clinical testing. Allele origin: germline.
Comment: the same text as in the submission from Illumina Laboratory Services, Illumina above.

Breakthrough Genomics
Classification: Likely benign. Review status: criteria provided, single submitter. Criteria: ACMG Guidelines, 2015. Collection method: not provided. Allele origin: germline. Inheritance: Autosomal recessive inheritance. Affected: yes.